The following is an entry in ClinVar:

NM_002528.7(NTHL1):c.476C>T (p.Thr159Ile)

Gene: NTHL1 (nth like DNA glycosylase 1; minus strand). Cytogenetic location: 16p13.3.
Variant type: single nucleotide variant.
Coding change: c.476C>T on transcript NM_002528.7 (MANE Select); coding-DNA position 476, C replaced by T.
Protein change: p.Thr159Ile; replaces threonine 159 with isoleucine.
Molecular consequence: missense variant. On other transcripts: intron variant (1).
Genome position (GRCh38, 1-based): chr16:2,044,679, G>A on the plus strand (C>T on the coding strand, the complement: NTHL1 is on the minus strand). VCF-style: chr16-2044679-G-A. GRCh37 (hg19) VCF-style: chr16-2094680-G-A.
Other names: c.146C>T, p.Thr49Ile (NM_001318194.2); c.355-953C>T (NM_001318193.2); c.476C>T, p.Thr159Ile (LRG_1366t1); short protein forms T159I, T49I.
Identifiers: ClinVar variation 664935 (VCV000664935.18), dbSNP rs968060928, ClinGen allele CA276764562.

ClinVar aggregate classification (germline): Uncertain significance. Review status: criteria provided, multiple submitters, no conflicts (2 of 4 stars). 5 submissions from 5 submitters: Uncertain significance (5). Last evaluated 2025-11-17.

Conditions:
Hereditary cancer-predisposing syndrome. Also called: Tumor predisposition; Neoplastic Syndromes, Hereditary; Hereditary Cancer Syndrome; Hereditary neoplastic syndrome. Identifiers: Orphanet 140162, MedGen C0027672, MeSH D009386, MONDO:0015356.
Familial adenomatous polyposis 3. Also called: NTHL1-Related Adenomatous Polyposis and Colorectal Cancer; NTHL1-associated polyposis; NTHL1-related attenuated familial adenomatous polyposis; NTHL1 Tumor Syndrome. Identifiers: Orphanet 220460, Orphanet 454840, MedGen C4225157, MONDO:0014630, OMIM 616415.

Allele frequency attached by ClinVar (database versions not stated): gnomAD exomes below 0.00001; TOPMed 0.00002; gnomAD 0.00006.
gnomAD v4.1: 8 of 1,611,384 alleles (0.0005%); highest among the groups gnomAD compares: Admixed American, 0.0033%; no homozygotes.

Submissions (5):

Labcorp Genetics (formerly Invitae), Labcorp
Classification: Uncertain significance. Last evaluated: 2025-11-17. Review status: criteria provided, single submitter. Criteria: Invitae Variant Classification Sherloc (09022015). Collection method: clinical testing. Allele origin: germline.
Comment: This sequence change replaces threonine, which is neutral and polar, with isoleucine, which is neutral and non-polar, at codon 167 of the NTHL1 protein (p.Thr167Ile). This variant is present in population databases (no rsID available, gnomAD 0.1%). This variant has not been reported in the literature in individuals affected with NTHL1-related conditions. ClinVar contains an entry for this variant (Variation ID: 664935). An algorithm developed to predict the effect of missense changes on protein structure and function (PolyPhen-2) suggests that this variant is likely to be tolerated. In summary, the available evidence is currently insufficient to determine the role of this variant in disease. Therefore, it has been classified as a Variant of Uncertain Significance.

Quest Diagnostics Nichols Institute San Juan Capistrano
Classification: Uncertain significance. Last evaluated: 2025-03-04. Review status: criteria provided, single submitter. Criteria: Quest Diagnostics criteria. Collection method: clinical testing. Allele origin: unknown.
Comment: The NTHL1 c.500C>T (p.Thr167Ile) variant has not been reported in individuals with NTHL1-related conditions in the published literature. The frequency of this variant in the general population (Genome Aggregation Database) is uninformative in the assessment of its pathogenicity. Analysis of this variant using bioinformatics tools for the prediction of the effect of amino acid changes on protein structure and function yielded predictions that this variant is benign. Based on the available information, we are unable to determine the clinical significance of this variant.

Ambry Genetics
Classification: Uncertain significance for Hereditary cancer-predisposing syndrome. Last evaluated: 2025-02-28. Review status: criteria provided, single submitter. Criteria: Ambry Variant Classification Scheme 2023. Collection method: clinical testing. Allele origin: germline.
Comment: The p.T167I variant (also known as c.500C>T), located in coding exon 3 of the NTHL1 gene, results from a C to T substitution at nucleotide position 500. The threonine at codon 167 is replaced by isoleucine, an amino acid with similar properties. This amino acid position is not well conserved in available vertebrate species. In addition, this alteration is predicted to be tolerated by in silico analysis. Based on the available evidence, the clinical significance of this variant remains unclear.

Baylor Genetics
Classification: Uncertain significance for Familial adenomatous polyposis 3. Last evaluated: 2024-02-16. Review status: criteria provided, single submitter. Criteria: ACMG Guidelines, 2015. Collection method: clinical testing. Allele origin: unknown.

GeneDx
Classification: Uncertain significance. Last evaluated: 2020-07-13. Review status: criteria provided, single submitter. Criteria: GeneDx Variant Classification Process June 2021. Collection method: clinical testing. Allele origin: germline. Affected: yes.
Comment: Not observed at a significant frequency in large population cohorts (Lek 2016); In silico analysis supports that this missense variant has a deleterious effect on protein structure/function; Has not been previously published as pathogenic or benign to our knowledge